The following is an entry in ClinVar:

ClinVar aggregate classification (germline): Uncertain significance. Review status: criteria provided, multiple submitters, no conflicts (2 of 4 stars). 7 submissions from 7 submitters: Uncertain significance (6). 1 of the submissions does not count toward it. Last evaluated 2025-11-25.

Conditions:
CHEK2-related cancer predisposition (TPDS4). Also called: CHEK2-related cancer susceptibility; TUMOR PREDISPOSITION SYNDROME 4; CANCER PREDISPOSITION SYNDROME, CHEK2-RELATED. Identifiers: Orphanet 524, MedGen C5882668, MONDO:0700271, OMIM 609265.
Familial prostate cancer. Also called: Hereditary Prostate Cancer. Identifiers: MedGen C2931456, MONDO:0700275, OMIM 176807.
Bone osteosarcoma. Also called: Osteosarcoma, somatic. Identifiers: Orphanet 668, MedGen C0585442, MONDO:0002629, OMIM 259500.
Hereditary cancer-predisposing syndrome. Also called: Hereditary Cancer Syndrome; Neoplastic Syndromes, Hereditary; Tumor predisposition; Hereditary neoplastic syndrome. Identifiers: Orphanet 140162, MedGen C0027672, MeSH D009386, MONDO:0015356.
Familial cancer of breast. Also called: Hereditary breast cancer; hereditary breast carcinoma; BREAST CANCER, FAMILIAL. Identifiers: Orphanet 227535, MedGen C0346153, MONDO:0016419, OMIM 114480. Disease mechanism: loss of function.

Allele frequency attached by ClinVar (database versions not stated): TOPMed 0.00005.
gnomAD v4.1: 1 of 1,613,706 alleles (0.000062%); highest among the groups gnomAD compares: Non-Finnish European, 0.000085%; no homozygotes.

Submissions (7):

Labcorp Genetics (formerly Invitae), Labcorp
Classification: Uncertain significance for Familial cancer of breast. Last evaluated: 2025-11-25. Review status: criteria provided, single submitter. Criteria: Invitae Variant Classification Sherloc (09022015). Collection method: clinical testing. Allele origin: germline.
Comment: This sequence change replaces glutamine, which is neutral and polar, with proline, which is neutral and non-polar, at codon 11 of the CHEK2 protein (p.Gln11Pro). This variant is not present in population databases (gnomAD no frequency). This variant has not been reported in the literature in individuals affected with CHEK2-related conditions. ClinVar contains an entry for this variant (Variation ID: 185460). An algorithm developed to predict the effect of missense changes on protein structure and function (PolyPhen-2) suggests that this variant is likely to be tolerated. In summary, the available evidence is currently insufficient to determine the role of this variant in disease. Therefore, it has been classified as a Variant of Uncertain Significance.

Color Diagnostics, LLC DBA Color Health
Classification: Uncertain significance for Hereditary cancer-predisposing syndrome. Last evaluated: 2025-03-10. Review status: criteria provided, single submitter. Criteria: ACMG Guidelines, 2015. Collection method: clinical testing. Allele origin: germline.
Comment: This missense variant replaces glutamine with proline at codon 11 of the CHEK2 protein. Computational prediction suggests that this variant may not impact protein structure and function. A complementation assay in human cells showed that this variant has intermediate impact on KAP1 phosphorylation and no impact on CHEK2 autophosphorylation (PMID: 37449874). This variant has not been reported in individuals affected with CHEK2-related disorders in the literature, but has been reported in an unaffected individual (PMID: 37449874). This variant has not been identified in the general population by the Genome Aggregation Database (gnomAD). The available evidence is insufficient to determine the role of this variant in disease conclusively. Therefore, this variant is classified as a Variant of Uncertain Significance.

Ambry Genetics
Classification: Uncertain significance for Hereditary cancer-predisposing syndrome. Last evaluated: 2024-12-10. Review status: criteria provided, single submitter. Criteria: Ambry Variant Classification Scheme 2023. Collection method: clinical testing. Allele origin: germline.
Comment: The p.Q11P variant (also known as c.32A>C), located in coding exon 1 of the CHEK2 gene, results from an A to C substitution at nucleotide position 32. The glutamine at codon 11 is replaced by proline, an amino acid with similar properties. This amino acid position is well conserved in available vertebrate species. In addition, the in silico prediction for this alteration is inconclusive. Since supporting evidence is limited at this time, the clinical significance of this alteration remains unclear.

Fulgent Genetics
Classification: Uncertain significance for Familial prostate cancer; Bone osteosarcoma; CHEK2-related cancer predisposition. Last evaluated: 2024-02-29. Review status: criteria provided, single submitter. Criteria: ACMG Guidelines, 2015. Collection method: clinical testing. Allele origin: germline.

Baylor Genetics
Classification: Uncertain significance for Familial cancer of breast. Last evaluated: 2023-05-07. Review status: criteria provided, single submitter. Criteria: ACMG Guidelines, 2015. Collection method: clinical testing. Allele origin: unknown.

Myriad Genetics, Inc.
Classification: Uncertain significance for Familial cancer of breast. Last evaluated: 2023-03-08. Review status: criteria provided, single submitter. Criteria: Myriad Autosomal Dominant, Autosomal Recessive and X-Linked Classification Criteria (2023). Collection method: clinical testing. Allele origin: unknown.
Comment: This variant is classified as a variant of uncertain significance as there is insufficient evidence to determine its impact on protein function and/or cancer risk.

Counsyl
Classification: Uncertain significance for Familial cancer of breast. Last evaluated: 2018-04-11. Review status: no assertion criteria provided. Collection method: clinical testing. Allele origin: unknown. Not counted in ClinVar's aggregate classification.

Literature cited by the submitters: PubMed 37449874 (cited by Color Diagnostics, LLC DBA Color Health).

NM_007194.4(CHEK2):c.32A>C (p.Gln11Pro)

Gene: CHEK2 (checkpoint kinase 2; minus strand). Cytogenetic location: 22q12.1.
Variant type: single nucleotide variant.
Coding change: c.32A>C on transcript NM_007194.4 (MANE Select); coding-DNA position 32, A replaced by C.
Protein change: p.Gln11Pro; replaces glutamine 11 with proline.
Molecular consequence: missense variant.
Genome position (GRCh38, 1-based): chr22:28,734,690, T>G on the plus strand (A>C on the coding strand, the complement: CHEK2 is on the minus strand). VCF-style: chr22-28734690-T-G. GRCh37 (hg19) VCF-style: chr22-29130678-T-G.
Other names: c.32A>C, p.Gln11Pro (NM_001005735.3, NM_001349956.3, NM_145862.3); c.-746A>C (NM_001257387.3); short protein forms Q11P.
Identifiers: ClinVar variation 185460 (VCV000185460.23), dbSNP rs369256181, ClinGen allele CA192020.